The following is an entry in ClinVar:

NM_152703.5(SAMD9L):c.4274G>T (p.Gly1425Val)

Gene: SAMD9L (sterile alpha motif domain containing 9 like; minus strand). Cytogenetic location: 7q21.2.
Variant type: single nucleotide variant.
Coding change: c.4274G>T on transcript NM_152703.5 (MANE Select); coding-DNA position 4274, G replaced by T.
Protein change: p.Gly1425Val; replaces glycine 1425 with valine.
Molecular consequence: missense variant.
Genome position (GRCh38, 1-based): chr7:93,131,698, C>A on the plus strand (G>T on the coding strand, the complement: SAMD9L is on the minus strand). VCF-style: chr7-93131698-C-A. GRCh37 (hg19) VCF-style: chr7-92761011-C-A.
Other names: c.4274G>T, p.Gly1425Val (NM_001303496.3, NM_001303497.3, NM_001303498.3 and 5 more transcripts); short protein forms G1425V.
Identifiers: ClinVar variation 3792194 (VCV003792194.1).

ClinVar aggregate classification (germline): Uncertain significance (1 of 4 stars; one submission).

Conditions:
Inborn genetic diseases. Identifiers: MedGen C0950123, MeSH D030342.

Submission:

Ambry Genetics
Classification: Uncertain significance for Inborn genetic diseases. Last evaluated: 2024-12-14. Review status: criteria provided, single submitter. Criteria: Ambry Variant Classification Scheme 2023. Collection method: clinical testing. Allele origin: germline.
Comment: The p.G1425V variant (also known as c.4274G>T), located in coding exon 1 of the SAMD9L gene, results from a G to T substitution at nucleotide position 4274. The glycine at codon 1425 is replaced by valine, an amino acid with dissimilar properties. This amino acid position is conserved. In addition, this alteration is predicted to be tolerated by in silico analysis. Based on the available evidence, the clinical significance of this variant remains unclear.